The following is an entry in ClinVar:

ClinVar aggregate classification (germline): Likely pathogenic. Review status: reviewed by expert panel (3 of 4 stars). 3 submissions from 3 submitters: Likely pathogenic (1). 2 of the submissions do not count toward it. Last evaluated 2020-01-26.

Conditions:
Phenylketonuria (PKU). Also called: Phenylketonurias; FOLLING DISEASE; Phenylketonuria (PKU); OLIGOPHRENIA PHENYLPYRUVICA. Identifiers: Orphanet 716, MedGen C0031485, MONDO:0009861, OMIM 261600. Disease mechanism: loss of function.

Submissions (3):

ClinGen PAH Variant Curation Expert Panel
Classification: Likely pathogenic for Phenylketonuria. Last evaluated: 2020-01-26. Review status: reviewed by expert panel. Criteria: ClinGen PAH ACMG Specifications v1. Collection method: curation. Allele origin: germline. Inheritance: Autosomal recessive inheritance.
Comment: The c.443G>T (p.Gly148Val) variant in PAH has been reported in multiple individuals with PKU (BH4 deficiency excluded). (PMID: 27121329, 26503515). This variant is absent in population databases (PM2). This variant was detected in trans with pathogenic variant p.Ser349Pro. Computational evidence supports a deleterious effect. In summary, this variant meets criteria to be classified as likely pathogenic for PAH. PAH-specific ACMG/AMP criteria applied: PP4_Moderate, PM2, PM3, PP3.

CeGaT Center for Human Genetics Tuebingen
Classification: Pathogenic. Last evaluated: 2026-02-01. Review status: criteria provided, single submitter. Criteria: CeGaT Center For Human Genetics Tuebingen Variant Classification Criteria Version 2. Collection method: clinical testing. Allele origin: germline. Affected: yes. Observed: 1 variant allele. Not counted in ClinVar's aggregate classification.
Comment: PAH: PM1, PM2, PM5, PP4:Moderate, PM3:Supporting, PP3

Counsyl
Classification: Uncertain significance for Phenylketonuria. Last evaluated: 2017-06-27. Review status: no assertion criteria provided. Collection method: clinical testing. Allele origin: unknown. Not counted in ClinVar's aggregate classification.

Literature cited by the submitters: PubMed 26503515 (cited by Counsyl); PubMed 27121329 (cited by Counsyl).

NM_000277.3(PAH):c.443G>T (p.Gly148Val)

Gene: PAH (phenylalanine hydroxylase; minus strand). Cytogenetic location: 12q23.2.
Variant type: single nucleotide variant.
Coding change: c.443G>T on transcript NM_000277.3 (MANE Select); coding-DNA position 443, G replaced by T.
Protein change: p.Gly148Val; replaces glycine 148 with valine.
Molecular consequence: missense variant.
Genome position (GRCh38, 1-based): chr12:102,866,662, C>A on the plus strand (G>T on the coding strand, the complement: PAH is on the minus strand). VCF-style: chr12-102866662-C-A. GRCh37 (hg19) VCF-style: chr12-103260440-C-A.
Other names: c.443G>T, p.Gly148Val (NM_001354304.2); short protein forms G148V.
Identifiers: ClinVar variation 552657 (VCV000552657.7), dbSNP rs1555205655, ClinGen allele CA16020791.
Genomic context (GRCh38, chr12:102,866,662, plus strand): 5'-TAGTTGTAGGCAATGTCAGCAAACTGCTTCCGTCTTGCACGGTACACAGGATCTTTAAAA[C>A]CCTAGGAGAAAAGAGACACCTGATTTTTCAAGGCTTCATAGGAAGAGGTCTGGTACCTTT-3'
Protein context (NP_000268.1, residues 138-158): YGAELDADHP[Gly148Val]FKDPVYRARR